The following is an entry in ClinVar:

ClinVar aggregate classification (germline): Uncertain significance (1 of 4 stars; one submission).

Submission:

Labcorp Genetics (formerly Invitae), Labcorp
Classification: Uncertain significance. Last evaluated: 2024-11-10. Review status: criteria provided, single submitter. Criteria: Invitae Variant Classification Sherloc (09022015). Collection method: clinical testing. Allele origin: germline.
Comment: This sequence change replaces glycine, which is neutral and non-polar, with serine, which is neutral and polar, at codon 36 of the NR2F1 protein (p.Gly36Ser). The frequency data for this variant in the population databases is considered unreliable, as metrics indicate poor data quality at this position in the gnomAD database. This variant has not been reported in the literature in individuals affected with NR2F1-related conditions. Invitae Evidence Modeling of protein sequence and biophysical properties (such as structural, functional, and spatial information, amino acid conservation, physicochemical variation, residue mobility, and thermodynamic stability) indicates that this missense variant is not expected to disrupt NR2F1 protein function with a negative predictive value of 95%. In summary, the available evidence is currently insufficient to determine the role of this variant in disease. Therefore, it has been classified as a Variant of Uncertain Significance.

NM_005654.6(NR2F1):c.106G>A (p.Gly36Ser)

Genes: NR2F1 (nuclear receptor subfamily 2 group F member 1; plus strand), NR2F1-AS1 (NR2F1 regulatory antisense RNA 1; minus strand). Cytogenetic location: 5q15.
Variant type: single nucleotide variant.
Coding change: c.106G>A on transcript NM_005654.6 (MANE Select); coding-DNA position 106, G replaced by A.
Protein change: p.Gly36Ser; replaces glycine 36 with serine.
Molecular consequence: missense variant.
Genome position (GRCh38, 1-based): chr5:93,585,129, G>A. VCF-style: chr5-93585129-G-A. GRCh37 (hg19) VCF-style: chr5-92920835-G-A.
Other names: short protein forms G36S.
Identifiers: ClinVar variation 3683974 (VCV003683974.2).